The following is an entry in ClinVar:

ClinVar aggregate classification (germline): Uncertain significance. Review status: criteria provided, multiple submitters, no conflicts (2 of 4 stars). 3 submissions from 3 submitters: Uncertain significance (3). Last evaluated 2025-08-24.

Conditions:
Inborn genetic diseases. Identifiers: MedGen C0950123, MeSH D030342.

Allele frequency attached by ClinVar (database versions not stated): ExAC 0.00002; gnomAD exomes 0.00002 and 0.00004; TOPMed 0.00002; gnomAD 0.00004.
gnomAD v4.1: 28 of 1,613,886 alleles (0.0017%); highest among the groups gnomAD compares: Admixed American, 0.017%; no homozygotes.

Submissions (3):

Labcorp Genetics (formerly Invitae), Labcorp
Classification: Uncertain significance. Last evaluated: 2025-08-24. Review status: criteria provided, single submitter. Criteria: Invitae Variant Classification Sherloc (09022015). Collection method: clinical testing. Allele origin: germline.
Comment: This sequence change replaces methionine, which is neutral and non-polar, with isoleucine, which is neutral and non-polar, at codon 500 of the RP1 protein (p.Met500Ile). This variant is present in population databases (no rsID available, gnomAD 0.02%). This missense change has been observed in individual(s) with autosomal dominant RP1-related conditions (internal data). ClinVar contains an entry for this variant (Variation ID: 1471426). An algorithm developed to predict the effect of missense changes on protein structure and function (PolyPhen-2) suggests that this variant is likely to be tolerated. In summary, the available evidence is currently insufficient to determine the role of this variant in disease. Therefore, it has been classified as a Variant of Uncertain Significance.

Ambry Genetics
Classification: Uncertain significance for Inborn genetic diseases. Last evaluated: 2025-08-03. Review status: criteria provided, single submitter. Criteria: Ambry Variant Classification Scheme 2023. Collection method: clinical testing. Allele origin: germline.

Blueprint Genetics
Classification: Uncertain significance. Last evaluated: 2023-06-13. Review status: criteria provided, single submitter. Criteria: ACMG Guidelines, 2015. Collection method: clinical testing. Allele origin: germline.

NM_006269.2(RP1):c.1500G>A (p.Met500Ile)

Gene: RP1 (RP1 axonemal microtubule associated; plus strand). Cytogenetic location: 8q12.1.
Variant type: single nucleotide variant.
Coding change: c.1500G>A on transcript NM_006269.2 (MANE Select); coding-DNA position 1500, G replaced by A.
Protein change: p.Met500Ile; replaces methionine 500 with isoleucine.
Molecular consequence: missense variant. On other transcripts: intron variant (1).
Genome position (GRCh38, 1-based): chr8:54,625,382, G>A. VCF-style: chr8-54625382-G-A. GRCh37 (hg19) VCF-style: chr8-55537942-G-A.
Other names: c.1500G>A (NM_006269.1); c.787+3094G>A (NM_001375654.1); short protein forms M500I.
Identifiers: ClinVar variation 1471426 (VCV001471426.9), dbSNP rs995188028, ClinGen allele CA4751390.